The following is an entry in ClinVar:

ClinVar aggregate classification (germline): Uncertain significance (1 of 4 stars; one submission).

Conditions:
Immunodeficiency, common variable, 2 (CVID2). Also called: ANTIBODY DEFICIENCY DUE TO TACI DEFECT; HYPOGAMMAGLOBULINEMIA DUE TO TACI DEFICIENCY. Identifiers: Orphanet 1572, MedGen C3150354, MONDO:0009413, OMIM 240500.

gnomAD v4.1: 1 of 1,614,022 alleles (0.000062%); highest among the groups gnomAD compares: African/African-American, 0.0013%; no homozygotes.

Submission:

Labcorp Genetics (formerly Invitae), Labcorp
Classification: Uncertain significance for Immunodeficiency, common variable, 2. Last evaluated: 2025-08-09. Review status: criteria provided, single submitter. Criteria: Invitae Variant Classification Sherloc (09022015). Collection method: clinical testing. Allele origin: germline.
Comment: This sequence change replaces leucine, which is neutral and non-polar, with proline, which is neutral and non-polar, at codon 186 of the TNFRSF13B protein (p.Leu186Pro). This variant is not present in population databases (gnomAD no frequency). This variant has not been reported in the literature in individuals affected with TNFRSF13B-related conditions. Invitae Evidence Modeling of protein sequence and biophysical properties (such as structural, functional, and spatial information, amino acid conservation, physicochemical variation, residue mobility, and thermodynamic stability) indicates that this missense variant is expected to disrupt TNFRSF13B protein function with a positive predictive value of 95%. In summary, the available evidence is currently insufficient to determine the role of this variant in disease. Therefore, it has been classified as a Variant of Uncertain Significance.

NM_012452.3(TNFRSF13B):c.557T>C (p.Leu186Pro)

Gene: TNFRSF13B (TNF receptor superfamily member 13B; minus strand). Cytogenetic location: 17p11.2.
Variant type: single nucleotide variant.
Coding change: c.557T>C on transcript NM_012452.3 (MANE Select); coding-DNA position 557, T replaced by C.
Protein change: p.Leu186Pro; replaces leucine 186 with proline.
Molecular consequence: missense variant.
Genome position (GRCh38, 1-based): chr17:16,940,400, A>G on the plus strand (T>C on the coding strand, the complement: TNFRSF13B is on the minus strand). VCF-style: chr17-16940400-A-G. GRCh37 (hg19) VCF-style: chr17-16843714-A-G.
Other names: short protein forms L186P.
Identifiers: ClinVar variation 4710046 (VCV004710046.1).